The following is an entry in ClinVar:

NM_001999.4(FBN2):c.920A>G (p.His307Arg)

Gene: FBN2 (fibrillin 2; minus strand). Cytogenetic location: 5q23.3.
Variant type: single nucleotide variant.
Coding change: c.920A>G on transcript NM_001999.4 (MANE Select); coding-DNA position 920, A replaced by G.
Protein change: p.His307Arg; replaces histidine 307 with arginine.
Molecular consequence: missense variant.
Genome position (GRCh38, 1-based): chr5:128,446,513, T>C on the plus strand (A>G on the coding strand, the complement: FBN2 is on the minus strand). VCF-style: chr5-128446513-T-C. GRCh37 (hg19) VCF-style: chr5-127782206-T-C.
Other names: short protein forms H307R.
Identifiers: ClinVar variation 1302417 (VCV001302417.2), dbSNP rs1754067808, ClinGen allele CA360751951.

ClinVar aggregate classification (germline): Uncertain significance (1 of 4 stars; one submission).

Allele frequency attached by ClinVar (database versions not stated): gnomAD exomes below 0.00001.

Submission:

GeneDx
Classification: Uncertain significance. Last evaluated: 2021-09-22. Review status: criteria provided, single submitter. Criteria: GeneDx Variant Classification Process June 2021. Collection method: clinical testing. Allele origin: germline. Affected: yes.
Comment: Has not been previously published as pathogenic or benign to our knowledge; Not observed in large population cohorts (Lek et al., 2016); In silico analysis supports that this missense variant has a deleterious effect on protein structure/function; Although located in a calcium-binding EGF-like domain of the FBN2 gene, it does not affect a cysteine residue within this domain; cysteine substitutions in the calcium-binding EGF-like domains represent the majority of pathogenic missense changes associated with FBN2-related disorders (Frederic et al., 2009).; This variant is associated with the following publications: (PMID: 18767143)